The following is an entry in ClinVar:

ClinVar aggregate classification (germline): Uncertain significance (1 of 4 stars; one submission).

Conditions:
DIAPH3-related disorder. Also called: DIAPH3-related condition.

gnomAD v4.1: 42 of 1,612,518 alleles (0.0026%); highest among the groups gnomAD compares: Middle Eastern, 0.018%; no homozygotes.

Submission:

PreventionGenetics, part of Exact Sciences
Classification: Uncertain significance for DIAPH3-related condition. Last evaluated: 2026-05-30. Review status: criteria provided, single submitter. Criteria: ACMG Guidelines, 2015. Collection method: clinical testing. Allele origin: germline.
Comment: The DIAPH3 c.430C>T variant is predicted to result in the amino acid substitution p.Arg144Trp. To our knowledge, this variant has not been reported in the literature. This variant is reported in 0.0023% of alleles in individuals of European (Non-Finnish) descent in gnomAD. At this time, the clinical significance of this variant is uncertain due to the absence of conclusive functional and genetic evidence.

NM_001042517.2(DIAPH3):c.430C>T (p.Arg144Trp)

Gene: DIAPH3 (diaphanous related formin 3; minus strand). Cytogenetic location: 13q21.2.
Variant type: single nucleotide variant.
Coding change: c.430C>T on transcript NM_001042517.2 (MANE Select); coding-DNA position 430, C replaced by T.
Protein change: p.Arg144Trp; replaces arginine 144 with tryptophan.
Molecular consequence: missense variant. On other transcripts: intron variant (1).
Genome position (GRCh38, 1-based): chr13:60,093,693, G>A on the plus strand (C>T on the coding strand, the complement: DIAPH3 is on the minus strand). VCF-style: chr13-60093693-G-A. GRCh37 (hg19) VCF-style: chr13-60667827-G-A.
Other names: c.397C>T, p.Arg133Trp (NM_001258366.2); c.220C>T, p.Arg74Trp (NM_001258368.2); c.430C>T, p.Arg144Trp (NM_001258369.2); c.357+18317C>T (NM_001258367.2); short protein forms R74W, R144W, R133W.
Identifiers: ClinVar variation 4979370 (VCV004979370.1).